The following is an entry in ClinVar:

NM_000059.4(BRCA2):c.8480del (p.Pro2827fs)

Gene: BRCA2 (BRCA2 DNA repair associated; plus strand). Cytogenetic location: 13q13.1.
Variant type: Deletion.
Coding change: c.8480del on transcript NM_000059.4 (MANE Select); coding-DNA position 8480, one base deleted (C; older notation c.8480delC).
Protein change: p.Pro2827fs; shifts the reading frame from proline 2827.
Molecular consequence: frameshift variant.
Genome position (GRCh38, 1-based): chr13:32,370,550, C deleted; the last of 3 consecutive C bases (chr13:32,370,548-32,370,550); deleting any one gives the same sequence. VCF-style (leftmost placement, unchanged base first): chr13-32370547-AC-A. GRCh37 (hg19) VCF-style: chr13-32944684-AC-A.
Other names: c.8384delC, p.Pro2795Leufs (NM_001406719.1); c.8480delC, p.Pro2827Leufs (NM_001406720.1); c.3548delC, p.Pro1183Leufs (NM_001406721.1); c.2063delC, p.Pro688Leufs (NM_001406722.1); short protein forms P2827fs.
Identifiers: ClinVar variation 2087951 (VCV002087951.6), dbSNP rs1566248956, ClinGen allele CA919242933.

ClinVar aggregate classification (germline): Pathogenic. Review status: criteria provided, multiple submitters, no conflicts (2 of 4 stars). 2 submissions from 2 submitters: Pathogenic (2). Last evaluated 2024-12-17.

Conditions:
Hereditary cancer-predisposing syndrome. Also called: Tumor predisposition; Hereditary Cancer Syndrome; Hereditary neoplastic syndrome; Neoplastic Syndromes, Hereditary. Identifiers: Orphanet 140162, MedGen C0027672, MeSH D009386, MONDO:0015356.
Hereditary breast ovarian cancer syndrome. Also called: Hereditary breast and ovarian cancer syndrome; Breast and ovarian cancer; BRCA1- and BRCA2-Associated Hereditary Breast and Ovarian Cancer; Hereditary breast and ovarian cancer syndrome (HBOC); Hereditary breast and ovarian cancer; Hereditary breast and/or ovarian cancer syndrome. Identifiers: Orphanet 145, MedGen C0677776, MeSH D061325, MONDO:0003582. Disease mechanism: loss of function.

Submissions (2):

Labcorp Genetics (formerly Invitae), Labcorp
Classification: Pathogenic for Hereditary breast ovarian cancer syndrome. Last evaluated: 2024-12-17. Review status: criteria provided, single submitter. Criteria: Invitae Variant Classification Sherloc (09022015). Collection method: clinical testing. Allele origin: germline.
Comment: This sequence change creates a premature translational stop signal (p.Pro2827Leufs*36) in the BRCA2 gene. It is expected to result in an absent or disrupted protein product. Loss-of-function variants in BRCA2 are known to be pathogenic (PMID: 20104584). This variant is not present in population databases (gnomAD no frequency). This premature translational stop signal has been observed in individual(s) with ovarian cancer (PMID: 31742824). ClinVar contains an entry for this variant (Variation ID: 2087951). For these reasons, this variant has been classified as Pathogenic.

Ambry Genetics
Classification: Pathogenic for Hereditary cancer-predisposing syndrome. Last evaluated: 2023-04-18. Review status: criteria provided, single submitter. Criteria: Ambry Variant Classification Scheme 2023. Collection method: clinical testing. Allele origin: germline.
Comment: The c.8480delC pathogenic mutation, located in coding exon 18 of the BRCA2 gene, results from a deletion of one nucleotide at nucleotide position 8480, causing a translational frameshift with a predicted alternate stop codon (p.P2827Lfs*36). This alteration is expected to result in loss of function by premature protein truncation or nonsense-mediated mRNA decay. This variant is considered to be rare based on population cohorts in the Genome Aggregation Database (gnomAD). As such, this alteration is interpreted as a disease-causing mutation.

Literature cited by the submitters: PubMed 20104584 (cited by Labcorp Genetics (formerly Invitae), Labcorp); PubMed 31742824 (cited by Labcorp Genetics (formerly Invitae), Labcorp).